The following is an entry in ClinVar:

ClinVar aggregate classification (germline): Pathogenic/Likely pathogenic. Review status: criteria provided, multiple submitters, no conflicts (2 of 4 stars). 7 submissions from 7 submitters: Pathogenic (2); Likely pathogenic (5). Last evaluated 2025-03-14.

Conditions:
Polycystic kidney disease, adult type (PKD1). Also called: Polycystic Kidney Disease 1, Autosomal Dominant; Polycystic kidney disease 1; Polycystic kidney disease 1, severe; Polycystic Kidney, Autosomal Dominant; POLYCYSTIC KIDNEY DISEASE 1 WITH OR WITHOUT POLYCYSTIC LIVER DISEASE; POLYCYSTIC KIDNEY DISEASE, ADULT, TYPE I. Identifiers: MedGen C3149841, MONDO:0008263, OMIM 173900.
Autosomal dominant polycystic kidney disease. Identifiers: Orphanet 730, MedGen C0085413, MONDO:0004691.
PKD1-related disorder. Also called: PKD1-related condition.

Submissions (7):

Variantyx, Inc.
Classification: Likely pathogenic for Polycystic kidney disease, adult type. Last evaluated: 2025-03-14. Review status: criteria provided, single submitter. Criteria: Variantyx Assertion Criteria 2022. Collection method: clinical testing. Allele origin: germline. Affected: yes.
Comment: This is an inframe deletion variant in the PKD1 gene (OMIM: 601313). Pathogenic variants in this gene have been associated with autosomal dominant polycystic kidney disease 1. The clinical symptoms reported for this individual are highly specific for autosomal dominant polycystic kidney disease 1, which has a limited genetic etiology (PP4). This variant causes an in-frame deletion of 1 amino acids at position 2133 of the PKD1 protein (PM4). This variant has been reported in at least 5 unrelated affected individual(s) (PMID: 22367170, 33141305, 39019822, 38978874, 38689396, 27499327) (PS4_Moderate). This variant has a 0.0001% maximum allele frequency in non-founder control populations (PM2_Supporting). Based on the current evidence, this variant is classified as likely pathogenic for autosomal dominant polycystic kidney disease 1.

Women's Health and Genetics/Laboratory Corporation of America, LabCorp
Classification: Pathogenic for Polycystic kidney disease, adult type. Last evaluated: 2025-03-14. Review status: criteria provided, single submitter. Criteria: LabCorp Variant Classification Summary - May 2015. Collection method: clinical testing. Allele origin: germline.
Comment: Variant summary: PKD1 c.6397_6399delTTC (p.Phe2133del) results in an in-frame deletion that is predicted to remove 1 amino acid from the encoded protein. The variant was absent in 185334 control chromosomes. c.6397_6399delTTC has been reported in the heterozygous state in the literature in multiple individuals affected with autosomal dominant Polycystic Kidney Disease 1 (example, Duan_2024, Kimura_2023, Kurashige_2015, Mallawaarachchi_2021, Yuan_2024), including at least 1 family where it segregated with disease. These data indicate that the variant is very likely to be associated with disease. To our knowledge, no experimental evidence demonstrating an impact on protein function has been reported. The following publications have been ascertained in the context of this evaluation (PMID: 39019822, 37509056, 24611717, 33437033, 38670396). ClinVar contains an entry for this variant (Variation ID: 503677). Based on the evidence outlined above, the variant was classified as pathogenic.

GeneDx
Classification: Likely pathogenic. Last evaluated: 2024-12-30. Review status: criteria provided, single submitter. Criteria: GeneDx Variant Classification Process June 2021. Collection method: clinical testing. Allele origin: germline. Affected: yes.
Comment: In-frame deletion of one amino acid in a non-repeat region; Not observed at significant frequency in large population cohorts (gnomAD); In silico analysis supports a deleterious effect on protein structure/function; This variant is associated with the following publications: (PMID: 26823553, 33141305, 33437033, 38689396, 36938073, 27499327, 22367170, 24611717)

Blueprint Genetics
Classification: Likely pathogenic for PKD1-related disorders. Last evaluated: 2024-02-08. Review status: criteria provided, single submitter. Criteria: ACMG Guidelines, 2015. Collection method: clinical testing. Allele origin: germline. Affected: yes. Observed: 3 variant alleles.

Victorian Clinical Genetics Services, Murdoch Childrens Research Institute
Classification: Pathogenic for Polycystic kidney disease, adult type. Last evaluated: 2022-03-31. Review status: criteria provided, single submitter. Criteria: ACMG Guidelines, 2015. Collection method: clinical testing. Allele origin: germline. Inheritance: Autosomal dominant inheritance.
Comment: Based on the classification scheme VCGS_Germline_v1.3.4, this variant is classified as Pathogenic. Following criteria are met: 0102 - Loss of function is a known mechanism of disease in this gene and is associated with polycystic kidney disease 1 (MIM#173900). (I) 0107 - This gene is associated with autosomal dominant disease. Polycystic kidney disease 1 (MIM#173900) is predominantly caused by monoallelic variants, with rare reports of biallelic variants causing disease (OMIM). (I) 0216 - In-frame insertion/deletion in a non-repetitive region that has low conservation. (SP) 0251 - This variant is heterozygous. (I) 0301 - Variant is absent from gnomAD (both v2 and v3). (SP) 0600 - Variant is located in the annotated PKD domain (DECIPHER). (I) 0801 - This variant has strong previous evidence of pathogenicity in unrelated individuals. It has been reported in at least ten individuals with polycystic kidney disease and consistently classified as likely pathogenic by diagnostic laboratories in ClinVar (PMID: 22367170, 24611717, 27499327, 33141305). (SP) 1208 - Inheritance information for this variant is not currently available in this individual. (I) Legend: (SP) - Supporting pathogenic, (I) - Information, (SB) - Supporting benign

Molecular Genetics of Inherited Kidney Disorders Laboratory, Garvan Institute of Medical Research
Classification: Likely pathogenic for Autosomal dominant polycystic kidney disease. Last evaluated: 2019-01-01. Review status: criteria provided, single submitter. Criteria: ACMG Guidelines, 2015. Collection method: research. Allele origin: germline. Affected: yes.

Juno Genomics, Hangzhou Juno Genomics, Inc
Classification: Likely pathogenic for Polycystic kidney disease, adult type. Review status: criteria provided, single submitter. Criteria: ACMG Guidelines, 2015. Collection method: clinical testing. Allele origin: germline. Affected: yes.
Comment: Absent from controls (or at extremely low frequency if recessive) in Genome Aggregation Database, Exome Sequencing Project, 1000 Genomes Project, or Exome Aggregation Consortium.;Protein length changes due to in-frame deletions/insertions in a non-repeat region or stop-loss variants.;The prevalence of the variant in affected individuals is significantly increased compared to the prevalence in controls.;Patient's phenotype or family history is highly specific for a disease with a single genetic etiology.

Literature cited by the submitters: PubMed 33437033 (cited by Women's Health and Genetics/Laboratory Corporation of America, LabCorp); PubMed 24611717 (cited by Women's Health and Genetics/Laboratory Corporation of America, LabCorp and Victorian Clinical Genetics Services, Murdoch Childrens Research Institute); PubMed 37509056 (cited by Women's Health and Genetics/Laboratory Corporation of America, LabCorp); PubMed 39019822 (cited by Women's Health and Genetics/Laboratory Corporation of America, LabCorp); PubMed 38670396 (cited by Women's Health and Genetics/Laboratory Corporation of America, LabCorp); PubMed 22367170 (cited by Victorian Clinical Genetics Services, Murdoch Childrens Research Institute); PubMed 27499327 (cited by Victorian Clinical Genetics Services, Murdoch Childrens Research Institute); PubMed 33141305 (cited by Victorian Clinical Genetics Services, Murdoch Childrens Research Institute).

NM_001009944.3(PKD1):c.6394TTC[1] (p.Phe2133del)

Gene: PKD1 (polycystin 1, transient receptor potential channel interacting; minus strand). Cytogenetic location: 16p13.3.
Variant type: Microsatellite.
Coding change: c.6394TTC[1] on transcript NM_001009944.3 (MANE Select); one copy of the 3-base unit TTC starting at c.6394; the reference has two copies in a row; one copy, 3 bases deleted; also written c.6397_6399del.
Protein change: p.Phe2133del; deletes phenylalanine 2133.
Molecular consequence: inframe deletion.
Genome position (GRCh38, 1-based): chr16:2,108,768-2,108,770, GAA deleted on the plus strand (TTC on the coding strand, the reverse complement: PKD1 is on the minus strand); deleting any 3 consecutive bases within chr16:2,108,768-2,108,774 gives the same sequence; the position shown is the placement nearest the transcript's 3' end. VCF-style (leftmost placement, unchanged base first): chr16-2108767-CGAA-C. GRCh37 (hg19) VCF-style: chr16-2158768-CGAA-C.
Other names: c.6397_6399delTTC (NM_001009944.3); c.6394TTC[1], p.Phe2133del (NM_000296.4); c.6397_6399del (NM_001009944.3); short protein forms F2133del.
Identifiers: ClinVar variation 503677 (VCV000503677.12), dbSNP rs1555454460, ClinGen allele CA658798514.